The following is an entry in ClinVar:

NM_000487.6(ARSA):c.136T>C (p.Ser46Pro)

Gene: ARSA (arylsulfatase A; minus strand). Cytogenetic location: 22q13.33.
Variant type: single nucleotide variant.
Coding change: c.136T>C on transcript NM_000487.6 (MANE Select); coding-DNA position 136, T replaced by C.
Protein change: p.Ser46Pro; replaces serine 46 with proline.
Molecular consequence: missense variant. On other transcripts: intron variant (2).
Genome position (GRCh38, 1-based): chr22:50,627,644, A>G on the plus strand (T>C on the coding strand, the complement: ARSA is on the minus strand). VCF-style: chr22-50627644-A-G. GRCh37 (hg19) VCF-style: chr22-51066072-A-G.
Other names: c.136T>C, p.Ser46Pro (NM_001085425.3, NM_001085426.3, NM_001085427.3); c.-34-238T>C (NM_001362782.2, NM_001085428.3); short protein forms S46P.
Identifiers: ClinVar variation 2737071 (VCV002737071.8), dbSNP rs867061766, ClinGen allele CA325531680.

ClinVar aggregate classification (germline): Likely pathogenic. Review status: criteria provided, multiple submitters, no conflicts (2 of 4 stars). 3 submissions from 3 submitters: Likely pathogenic (3). Last evaluated 2025-04-10.

Conditions:
Metachromatic leukodystrophy (MLD). Also called: ARSA DEFICIENCY; CEREBROSIDE SULFATASE DEFICIENCY; METACHROMATIC LEUKOENCEPHALOPATHY; SULFATIDE LIPIDOSIS; Cerebral sclerosis diffuse metachromatic form; Arylsulfatase A Deficiency. Identifiers: Orphanet 512, MedGen C0023522, MONDO:0018868, OMIM 250100.

Allele frequency attached by ClinVar (database versions not stated): TOPMed 0.00001; gnomAD 0.00003.

Submissions (4):

Myriad Genetics, Inc.
Classification: Likely pathogenic for Metachromatic leukodystrophy. Last evaluated: 2025-04-10. Review status: criteria provided, single submitter. Criteria: Myriad Autosomal Dominant, Autosomal Recessive and X-Linked Classification Criteria (2023). Collection method: clinical testing. Allele origin: unknown.
Comment: NM_000487.5(ARSA):c.136T>C(S46P) is a missense variant classified as likely pathogenic in the context of metachromatic leukodystrophy. S46P has been observed in cases with relevant disease (PMID: 24001781, 25965562, 31922725). Relevant functional assessments of this variant are available in the literature (PMID: 37480112). Internal structural analysis of the variant is supportive of pathogenicity. S46P has not been observed in referenced population frequency databases. In summary, NM_000487.5(ARSA):c.136T>C(S46P) is a missense variant that has both functional and internal structural support for pathogenicity and has been observed more frequently in cases with the relevant disease than in healthy populations. Please note: this variant was assessed in the context of healthy population screening.

Natera, Inc.
Classification: Likely pathogenic for Metachromatic leukodystrophy. Last evaluated: 2024-05-01. Review status: criteria provided, single submitter. Criteria: Natera Variant Classification Schema (03/2026). Collection method: clinical testing. Allele origin: germline.
Comment: The c.136T>C variant in ARSA is a missense variant predicted to cause substitution of serine to proline at amino acid 46. This variant is rare in the general population with a frequency below the threshold expected for the associated phenotype(s). This variant has been observed in one or more individuals affected with the associated recessive disease, as either homozygous or compound heterozygous with a second variant (PMID: 24001781, 25965562). Computational prediction algorithms indicate this variant is likely to affect gene or protein function. Given the available evidence, this variant is classified as Likely Pathogenic.

Labcorp Genetics (formerly Invitae), Labcorp
Classification: Likely pathogenic for Metachromatic leukodystrophy. Last evaluated: 2023-11-02. Review status: criteria provided, single submitter. Criteria: Invitae Variant Classification Sherloc (09022015). Collection method: clinical testing. Allele origin: germline.
Comment: This sequence change replaces serine, which is neutral and polar, with proline, which is neutral and non-polar, at codon 46 of the ARSA protein (p.Ser46Pro). This variant is present in population databases (no rsID available, gnomAD 0.01%). This missense change has been observed in individual(s) with clinical features of ARSA-related conditions (PMID: 24001781). Advanced modeling of protein sequence and biophysical properties (such as structural, functional, and spatial information, amino acid conservation, physicochemical variation, residue mobility, and thermodynamic stability) performed at Invitae indicates that this missense variant is expected to disrupt ARSA protein function with a positive predictive value of 95%. In summary, the currently available evidence indicates that the variant is pathogenic, but additional data are needed to prove that conclusively. Therefore, this variant has been classified as Likely Pathogenic.

Gelb Laboratory, University of Washington
No classification provided (evidence only). Condition: Metachromatic leukodystrophy. Review status: no classification provided. Collection method: in vitro. Allele origin: not applicable. Functional consequence: loss of function. Not counted in ClinVar's aggregate classification.

Literature cited by the submitters: PubMed 24001781 (cited by 3 submitters); PubMed 25965562 (cited by Myriad Genetics, Inc. and Natera, Inc.); PubMed 31922725 (cited by Myriad Genetics, Inc.); PubMed 37480112 (cited by Myriad Genetics, Inc.).